The following is an entry in ClinVar:

ClinVar aggregate classification (germline): Benign. Review status: criteria provided, multiple submitters, no conflicts (2 of 4 stars). 5 submissions from 5 submitters: Benign (5). Last evaluated 2026-02-04.

Conditions:
Chondrodysplasia punctata, brachytelephalangic, autosomal. Also called: BRACHYTELEPHALANGIC CHONDRODYSPLASIA PUNCTATA. Identifiers: MedGen C1844853, MONDO:0011238, OMIM 602497.

Allele frequency attached by ClinVar (database versions not stated): 1000 Genomes Project 30x 0.04308; ESP Exome Variant Server 0.05595; gnomAD 0.05888 and 0.05921; TOPMed 0.06238; ExAC 0.07317; gnomAD exomes 0.07478 and 0.07836; 1000 Genomes Project 0.03974.
gnomAD v4.1: 88,170 of 1,208,970 alleles (7.3%); highest among the groups gnomAD compares: Admixed American, 15%; 2,596 homozygotes.

Submissions (5):

Labcorp Genetics (formerly Invitae), Labcorp
Classification: Benign for Chondrodysplasia punctata, brachytelephalangic, autosomal. Last evaluated: 2026-02-04. Review status: criteria provided, single submitter. Criteria: Invitae Variant Classification Sherloc (09022015). Collection method: clinical testing. Allele origin: germline.

GeneDx
Classification: Benign. Last evaluated: 2017-11-10. Review status: criteria provided, single submitter. Criteria: GeneDx Variant Classification (06012015). Collection method: clinical testing. Allele origin: germline. Affected: yes.
Comment: This variant is considered likely benign or benign based on one or more of the following criteria: it is a conservative change, it occurs at a poorly conserved position in the protein, it is predicted to be benign by multiple in silico algorithms, and/or has population frequency not consistent with disease.

Genetic Services Laboratory, University of Chicago
Classification: Benign. Last evaluated: 2013-02-08. Review status: criteria provided, single submitter. Criteria: ACMG Guidelines, 2007. Collection method: clinical testing. Allele origin: germline. Inheritance: X-linked inheritance.

Breakthrough Genomics
Classification: Benign. Review status: criteria provided, single submitter. Criteria: ACMG Guidelines, 2015. Collection method: not provided. Allele origin: germline. Inheritance: X-linked inheritance. Affected: yes.

PreventionGenetics, part of Exact Sciences
Classification: Benign. Review status: criteria provided, single submitter. Criteria: ACMG Guidelines, 2015. Collection method: clinical testing. Allele origin: germline.

NM_000047.3(ARSL):c.786G>A (p.Thr262=)

Gene: ARSL (arylsulfatase L; minus strand). Cytogenetic location: Xp22.33.
Variant type: single nucleotide variant.
Coding change: c.786G>A on transcript NM_000047.3 (MANE Select); coding-DNA position 786, G replaced by A.
Protein change: p.Thr262=; no amino-acid change (threonine 262 retained).
Molecular consequence: synonymous variant.
Genome position (GRCh38, 1-based): chrX:2,949,372, C>T on the plus strand (G>A on the coding strand, the complement: ARSL is on the minus strand). VCF-style: chrX-2949372-C-T. GRCh37 (hg19) VCF-style: chrX-2867413-C-T.
Other names: c.861G>A, p.Thr287= (NM_001282628.2, NM_001369080.1); c.624G>A, p.Thr208= (NM_001282631.2); c.813G>A, p.Thr271= (NM_001369079.1).
Identifiers: ClinVar variation 157736 (VCV000157736.17), dbSNP rs17325750, ClinGen allele CA171134.